The following is an entry in ClinVar:

NM_000116.5(TAFAZZIN):c.588C>G (p.Ile196Met)

Gene: TAFAZZIN (tafazzin, phospholipid-lysophospholipid transacylase; plus strand). Cytogenetic location: Xq28.
Variant type: single nucleotide variant.
Coding change: c.588C>G on transcript NM_000116.5 (MANE Select); coding-DNA position 588, C replaced by G.
Protein change: p.Ile196Met; replaces isoleucine 196 with methionine.
Molecular consequence: missense variant. On other transcripts: non-coding transcript variant (1).
Genome position (GRCh38, 1-based): chrX:154,420,036, C>G. VCF-style: chrX-154420036-C-G. GRCh37 (hg19) VCF-style: chrX-153648375-C-G.
Other names: c.600C>G, p.Ile200Met (NM_001303465.2); c.552C>G, p.Ile184Met (NM_001410698.1); c.498C>G, p.Ile166Met (NM_181311.4); c.546C>G, p.Ile182Met (NM_181312.4); c.456C>G, p.Ile152Met (NM_181313.4); short protein forms I152M, I166M, I182M, I184M, I196M, I200M.
Identifiers: ClinVar variation 3452753 (VCV003452753.1).

ClinVar aggregate classification (germline): Uncertain significance (1 of 4 stars; one submission).

Conditions:
Cardiovascular phenotype. Identifiers: MedGen CN230736.

Submission:

Ambry Genetics
Classification: Uncertain significance for Cardiovascular phenotype. Last evaluated: 2024-08-30. Review status: criteria provided, single submitter. Criteria: Ambry Variant Classification Scheme 2023. Collection method: clinical testing. Allele origin: germline.
Comment: The p.I196M variant (also known as c.588C>G), located in coding exon 8 of the TAZ gene, results from a C to G substitution at nucleotide position 588. The isoleucine at codon 196 is replaced by methionine, an amino acid with highly similar properties. This amino acid position is well conserved in available vertebrate species. In addition, the in silico prediction for this alteration is inconclusive. Based on the available evidence, the clinical significance of this variant remains unclear.